The following is an entry in ClinVar:

ClinVar aggregate classification (germline): Benign. Review status: criteria provided, multiple submitters, no conflicts (2 of 4 stars). 2 submissions from 2 submitters: Benign (2). Last evaluated 2018-06-14.

Allele frequency attached by ClinVar (database versions not stated): 1000 Genomes Project 0.74301; 1000 Genomes Project 30x 0.74844; ExAC 0.75341; gnomAD exomes 0.75884 and 0.76723; gnomAD 0.77398 and 0.78019; ESP Exome Variant Server 0.77989; TOPMed 0.79449.
gnomAD v4.1: 1,219,653 of 1,589,076 alleles (77%); highest among the groups gnomAD compares: Admixed American, 87%; 470,259 homozygotes.

Submissions (2):

GeneDx
Classification: Benign. Last evaluated: 2018-06-14. Review status: criteria provided, single submitter. Criteria: GeneDx Variant Classification (06012015). Collection method: clinical testing. Allele origin: germline. Affected: yes.
Comment: This variant is considered likely benign or benign based on one or more of the following criteria: it is a conservative change, it occurs at a poorly conserved position in the protein, it is predicted to be benign by multiple in silico algorithms, and/or has population frequency not consistent with disease.

Breakthrough Genomics
Classification: Benign. Review status: criteria provided, single submitter. Criteria: ACMG Guidelines, 2015. Collection method: not provided. Allele origin: germline. Inheritance: Autosomal recessive inheritance. Affected: yes.

NM_006767.4(LZTR1):c.1353+41T>C

Gene: LZTR1 (leucine zipper like post translational regulator 1; plus strand). Cytogenetic location: 22q11.21.
Variant type: single nucleotide variant.
Coding change: c.1353+41T>C on transcript NM_006767.4 (MANE Select); 41 bases into the intron after coding-DNA position 1353, T replaced by C.
Molecular consequence: intron variant.
Genome position (GRCh38, 1-based): chr22:20,993,795, T>C. VCF-style: chr22-20993795-T-C. GRCh37 (hg19) VCF-style: chr22-21348084-T-C.
Identifiers: ClinVar variation 561415 (VCV000561415.2), dbSNP rs178291, ClinGen allele CA10118833.
Genomic context (GRCh38, chr22:20,993,795, plus strand): 5'-TGGAGTTCGTGCTGGGTGAGGTGGGTGCCTGTCCTCGCACCCTGCTCTGCCTGCTGTGCC[T>C]GGGCAGTGGGAATTTCGCCCCTCAGAAAAACAGCTGCTGGCCTGGTGGTGCTGACCTTGG-3'